The following is an entry in ClinVar:

NM_138694.4(PKHD1):c.1197del (p.Leu400fs)

Gene: PKHD1 (PKHD1 ciliary IPT domain containing fibrocystin/polyductin; minus strand). Cytogenetic location: 6p12.2.
Variant type: Deletion.
Coding change: c.1197del on transcript NM_138694.4 (MANE Select); coding-DNA position 1197, one base deleted (C; older notation c.1197delC).
Protein change: p.Leu400fs; shifts the reading frame from leucine 400.
Molecular consequence: frameshift variant.
Genome position (GRCh38, 1-based): chr6:52,059,964, G deleted on the plus strand (C on the coding strand, the reverse complement: PKHD1 is on the minus strand); the first of 2 consecutive G bases (chr6:52,059,964-52,059,965); deleting either gives the same sequence. VCF-style (leftmost placement, unchanged base first): chr6-52059963-AG-A. GRCh37 (hg19) VCF-style: chr6-51924761-AG-A.
Other names: c.1197del, p.Leu400fs (NM_170724.3); short protein forms L400fs.
Identifiers: ClinVar variation 1073874 (VCV001073874.10), dbSNP rs766857175, ClinGen allele CA3853624.

ClinVar aggregate classification (germline): Pathogenic. Review status: criteria provided, multiple submitters, no conflicts (2 of 4 stars). 2 submissions from 2 submitters: Pathogenic (2). Last evaluated 2026-01-10.

Conditions:
Autosomal recessive polycystic kidney disease (ARPKD). Also called: AR polycystic kidney disease. Identifiers: Orphanet 731, Orphanet 8378, MedGen C0085548, MeSH D017044, MONDO:0009889.
Polycystic kidney disease 4 (PKD4). Also called: POLYCYSTIC KIDNEY AND HEPATIC DISEASE 1; POLYCYSTIC KIDNEY DISEASE, INFANTILE, TYPE I; POLYCYSTIC KIDNEY DISEASE 4 WITH OR WITHOUT POLYCYSTIC LIVER DISEASE; PKD3; Autosomal Recessive Polycystic Kidney Disease – PKHD1. Identifiers: MedGen C4540575, MONDO:0033004, OMIM 263200.

Submissions (2):

Myriad Genetics, Inc.
Classification: Pathogenic for Polycystic kidney disease 4. Last evaluated: 2026-01-10. Review status: criteria provided, single submitter. Criteria: Myriad Autosomal Dominant, Autosomal Recessive and X-Linked Classification Criteria (2023). Collection method: clinical testing. Allele origin: unknown.
Comment: NM_138694.3(PKHD1):c.1197delC(L400Cfs*13) is expected to be pathogenic in the context of autosomal recessive polycystic kidney disease, PKHD1-related. This variant is predicted to lead to an abnormal or absent protein product due to the creation of a premature termination codon in PKHD1, a gene where loss-of-function variants are known to be pathogenic. Please note: this variant was assessed in the context of healthy population screening.

Labcorp Genetics (formerly Invitae), Labcorp
Classification: Pathogenic for Autosomal recessive polycystic kidney disease. Last evaluated: 2022-10-09. Review status: criteria provided, single submitter. Criteria: Invitae Variant Classification Sherloc (09022015). Collection method: clinical testing. Allele origin: germline.
Comment: This premature translational stop signal has been observed in individual(s) with autosomal recessive polycystic kidney disease (PMID: 27225849). This variant is present in population databases (rs766857175, gnomAD 0.006%). This sequence change creates a premature translational stop signal (p.Leu400Cysfs*13) in the PKHD1 gene. It is expected to result in an absent or disrupted protein product. Loss-of-function variants in PKHD1 are known to be pathogenic (PMID: 19940839). For these reasons, this variant has been classified as Pathogenic. ClinVar contains an entry for this variant (Variation ID: 1073874).

Literature cited by the submitters: PubMed 27225849 (cited by Labcorp Genetics (formerly Invitae), Labcorp); PubMed 19940839 (cited by Labcorp Genetics (formerly Invitae), Labcorp).